The following is an entry in ClinVar:

ClinVar aggregate classification (germline): Uncertain significance (1 of 4 stars; one submission).

Submission:

GeneDx
Classification: Uncertain significance. Last evaluated: 2020-01-08. Review status: criteria provided, single submitter. Criteria: GeneDx Variant Classification Process June 2021. Collection method: clinical testing. Allele origin: germline. Affected: yes.
Comment: Not observed in large population cohorts (Lek et al., 2016); In silico analysis, which includes protein predictors and evolutionary conservation, supports that this variant does not alter protein structure/function; Has not been previously published as pathogenic or benign to our knowledge

NM_001128840.3(CACNA1D):c.2306C>A (p.Ala769Glu)

Gene: CACNA1D (calcium voltage-gated channel subunit alpha1 D; plus strand). Cytogenetic location: 3p21.1.
Variant type: single nucleotide variant.
Coding change: c.2306C>A on transcript NM_001128840.3 (MANE Select); coding-DNA position 2306, C replaced by A.
Protein change: p.Ala769Glu; replaces alanine 769 with glutamic acid.
Molecular consequence: missense variant.
Genome position (GRCh38, 1-based): chr3:53,730,526, C>A. VCF-style: chr3-53730526-C-A. GRCh37 (hg19) VCF-style: chr3-53764553-C-A.
Other names: c.2366C>A, p.Ala789Glu (NM_000720.4); c.2306C>A, p.Ala769Glu (NM_001128839.3); short protein forms A769E, A789E.
Identifiers: ClinVar variation 1311158 (VCV001311158.2), dbSNP rs771708188, ClinGen allele CA353240567.